The following is an entry in ClinVar:

NM_004937.3(CTNS):c.*2569C>T

Genes: CTNS (cystinosin, lysosomal cystine transporter; plus strand), P2RX5-TAX1BP3 (P2RX5-TAX1BP3 readthrough (NMD candidate); minus strand), TAX1BP3 (Tax1 binding protein 3; minus strand). Cytogenetic location: 17p13.2.
Variant type: single nucleotide variant.
Coding change: c.*2569C>T on transcript NM_004937.3 (MANE Select); 2569 bases downstream of the stop codon, C replaced by T.
Molecular consequence: 3 prime UTR variant. On other transcripts: non-coding transcript variant (1).
Genome position (GRCh38, 1-based): chr17:3,662,938, C>T. VCF-style: chr17-3662938-C-T. GRCh37 (hg19) VCF-style: chr17-3566232-C-T.
Other names: c.*2204C>T (NM_001031681.3, NM_001374492.1); c.*2569C>T (NM_001374493.1, NM_001374494.1, NM_001374495.1 and 1 more transcripts); c.*810G>A (NM_001204698.2, NM_014604.4).
Identifiers: ClinVar variation 322920 (VCV000322920.6), dbSNP rs7093, ClinGen allele CA10639502.

ClinVar aggregate classification (germline): Benign. Review status: criteria provided, multiple submitters, no conflicts (2 of 4 stars). 3 submissions from 2 submitters: Benign (3). Last evaluated 2018-01-13.

Conditions:
Ocular cystinosis. Also called: Non-Nephropathic (Ocular) Cystinosis; Non-Nephropathic Cystinosis. Identifiers: Orphanet 213, Orphanet 411641, MedGen C2931013, MONDO:0009064, OMIM 219750.
Nephropathic cystinosis (CTNS). Also called: CYSTINOSIN, DEFECT OF; LYSOSOMAL CYSTINE TRANSPORT PROTEIN, DEFECT OF; Abderhalden Lignac Kaufmann disease; Abderhalden-Kaufmann-Lignac syndrome. Identifiers: Orphanet 213, Orphanet 411629, MedGen C2931187, MONDO:0100151, OMIM 219800.

Allele frequency attached by ClinVar (database versions not stated): gnomAD 0.33888 and 0.34613; TOPMed 0.34810; 1000 Genomes Project 30x 0.35525; 1000 Genomes Project 0.36162; gnomAD exomes 0.37500.
gnomAD v4.1: 52,741 of 152,126 alleles (35%); highest among the groups gnomAD compares: East Asian, 50%; 9,808 homozygotes.

Submissions (3):

Illumina Laboratory Services, Illumina
Classification: Benign for Nephropathic cystinosis. Last evaluated: 2018-01-13. Review status: criteria provided, single submitter. Criteria: ICSL Variant Classification Criteria 13 December 2019. Collection method: clinical testing. Allele origin: germline.
Comment: This variant was observed in the ICSL laboratory as part of a predisposition screen in an ostensibly healthy population. It had not been previously curated by ICSL or reported in the Human Gene Mutation Database (HGMD: prior to June 1st, 2018), and was therefore a candidate for classification through an automated scoring system. Utilizing variant allele frequency, disease prevalence and penetrance estimates, and inheritance mode, an automated score was calculated to assess if this variant is too frequent to cause the disease. Based on the score and internal cut-off values, a variant classified as benign is not then subjected to further curation. The score for this variant resulted in a classification of benign for this disease.

Illumina Laboratory Services, Illumina
Classification: Benign for Ocular cystinosis. Last evaluated: 2018-01-13. Review status: criteria provided, single submitter. Criteria: ICSL Variant Classification Criteria 13 December 2019. Collection method: clinical testing. Allele origin: germline.
Comment: the same text as in the submission from Illumina Laboratory Services, Illumina above.

Breakthrough Genomics
Classification: Benign. Review status: criteria provided, single submitter. Criteria: ACMG Guidelines, 2015. Collection method: not provided. Allele origin: germline. Inheritance: Autosomal recessive inheritance. Affected: yes.